The following is an entry in ClinVar:

ClinVar aggregate classification (germline): Uncertain significance. Review status: criteria provided, multiple submitters, no conflicts (2 of 4 stars). 2 submissions from 2 submitters: Uncertain significance (2). Last evaluated 2021-12-09.

Conditions:
Neuronopathy, distal hereditary motor, autosomal recessive 8. Also called: NEUROPATHY, DISTAL HEREDITARY MOTOR, AUTOSOMAL RECESSIVE 8; SORBITOL DEHYDROGENASE DEFICIENCY WITH PERIPHERAL NEUROPATHY; SORBITOL DEHYDROGENASE DEFICIENCY. Identifiers: Orphanet 700508, MedGen C5394466, MONDO:0030055, OMIM 618912.

Allele frequency attached by ClinVar (database versions not stated): gnomAD exomes 0.00012 and 0.00019; ExAC 0.00015; gnomAD 0.00018.

Submissions (2):

MGZ Medical Genetics Center
Classification: Uncertain significance for Neuronopathy, distal hereditary motor, autosomal recessive 8. Last evaluated: 2021-12-09. Review status: criteria provided, single submitter. Criteria: ACMG Guidelines, 2015. Collection method: clinical testing. Allele origin: germline. Affected: yes. Observed: 1 variant allele.
Comment: ACMG criteria applied: PM2_SUP, BP4

CeGaT Center for Human Genetics Tuebingen
Classification: Uncertain significance. Last evaluated: 2021-07-01. Review status: criteria provided, single submitter. Criteria: CeGaT Center For Human Genetics Tuebingen Variant Classification Criteria Version 2. Collection method: clinical testing. Allele origin: germline. Affected: yes. Observed: 1 variant allele.

NM_003104.6(SORD):c.935C>T (p.Ala312Val)

Gene: SORD (sorbitol dehydrogenase; plus strand). Cytogenetic location: 15q21.1.
Variant type: single nucleotide variant.
Coding change: c.935C>T on transcript NM_003104.6 (MANE Select); coding-DNA position 935, C replaced by T.
Protein change: p.Ala312Val; replaces alanine 312 with valine.
Molecular consequence: missense variant. On other transcripts: non-coding transcript variant (1).
Genome position (GRCh38, 1-based): chr15:45,073,391, C>T. VCF-style: chr15-45073391-C-T. GRCh37 (hg19) VCF-style: chr15-45365589-C-T.
Other names: short protein forms A312V.
Identifiers: ClinVar variation 1298619 (VCV001298619.37), dbSNP rs201398152, ClinGen allele CA7537384.